The following is an entry in ClinVar:

ClinVar aggregate classification (germline): Uncertain significance (1 of 4 stars; one submission).

Conditions:
Developmental and epileptic encephalopathy, 25 (DEE25). Also called: Epileptic encephalopathy, early infantile, 25; Developmental and epileptic encephalopathy 25, with amelogenesis imperfecta; Epileptic encephalopathy, early infantile, 25, with amelogenesis imperfecta. Identifiers: Orphanet 442835, MedGen C4014621, MONDO:0014392, OMIM 615905.

Allele frequency attached by ClinVar (database versions not stated): gnomAD exomes below 0.00001 and 0.00001; TOPMed below 0.00001; ExAC 0.00003.
gnomAD v4.1: 6 of 1,580,318 alleles (0.00038%); highest among the groups gnomAD compares: Non-Finnish European, 0.00052%; no homozygotes.

Submission:

Labcorp Genetics (formerly Invitae), Labcorp
Classification: Uncertain significance for Developmental and epileptic encephalopathy, 25. Last evaluated: 2022-03-19. Review status: criteria provided, single submitter. Criteria: Invitae Variant Classification Sherloc (09022015). Collection method: clinical testing. Allele origin: germline.
Comment: In summary, the available evidence is currently insufficient to determine the role of this variant in disease. Therefore, it has been classified as a Variant of Uncertain Significance. Algorithms developed to predict the effect of missense changes on protein structure and function (SIFT, PolyPhen-2, Align-GVGD) all suggest that this variant is likely to be tolerated. ClinVar contains an entry for this variant (Variation ID: 1022881). This variant has not been reported in the literature in individuals affected with SLC13A5-related conditions. This variant is present in population databases (rs748877090, gnomAD 0.003%). This sequence change replaces threonine, which is neutral and polar, with isoleucine, which is neutral and non-polar, at codon 389 of the SLC13A5 protein (p.Thr389Ile).

NM_177550.5(SLC13A5):c.1166C>T (p.Thr389Ile)

Gene: SLC13A5 (solute carrier family 13 member 5; minus strand). Cytogenetic location: 17p13.1.
Variant type: single nucleotide variant.
Coding change: c.1166C>T on transcript NM_177550.5 (MANE Select); coding-DNA position 1166, C replaced by T.
Protein change: p.Thr389Ile; replaces threonine 389 with isoleucine.
Molecular consequence: missense variant.
Genome position (GRCh38, 1-based): chr17:6,693,153, G>A on the plus strand (C>T on the coding strand, the complement: SLC13A5 is on the minus strand). VCF-style: chr17-6693153-G-A. GRCh37 (hg19) VCF-style: chr17-6596472-G-A.
Other names: c.1166C>T, p.Thr389Ile (NM_001143838.3); c.1115C>T, p.Thr372Ile (NM_001284509.2); c.1037C>T, p.Thr346Ile (NM_001284510.2); short protein forms T346I, T372I, T389I.
Identifiers: ClinVar variation 1022881 (VCV001022881.10), dbSNP rs748877090, ClinGen allele CA8331470.